The following is an entry in ClinVar:

NM_000238.4(KCNH2):c.298C>G (p.Arg100Gly)

Gene: KCNH2 (potassium voltage-gated channel subfamily H member 2; minus strand). Cytogenetic location: 7q36.1.
Variant type: single nucleotide variant.
Coding change: c.298C>G on transcript NM_000238.4 (MANE Select); coding-DNA position 298, C replaced by G.
Protein change: p.Arg100Gly; replaces arginine 100 with glycine.
Molecular consequence: missense variant.
Genome position (GRCh38, 1-based): chr7:150,974,720, G>C on the plus strand (C>G on the coding strand, the complement: KCNH2 is on the minus strand). VCF-style: chr7-150974720-G-C. GRCh37 (hg19) VCF-style: chr7-150671808-G-C.
Other names: p.R100G:CGG>GGG; c.121C>G, p.Arg41Gly (NM_001406755.1); c.298C>G, p.Arg100Gly (NM_172056.3); c.298C>G (LRG_288t1); short protein forms R100G, R41G.
Identifiers: ClinVar variation 14442 (VCV000014442.9), dbSNP rs121912515, ClinGen allele CA007737.

ClinVar aggregate classification (germline): Conflicting classifications of pathogenicity. Review status: criteria provided, conflicting classifications (1 of 4 stars). 5 submissions from 5 submitters: Pathogenic (2); Uncertain significance (1). 2 of the submissions do not count toward it. Last evaluated 2022-05-04.

Conditions:
Cardiovascular phenotype. Identifiers: MedGen CN230736.
Familial long QT syndrome (RWS). Also called: Romano-Ward syndrome; VENTRICULAR FIBRILLATION WITH PROLONGED QT INTERVAL; Congenital long QT syndrome. Identifiers: Orphanet 768, MedGen C1141890, MONDO:0019171.
Long QT syndrome 2/3, digenic (LQT2/3, DIGENIC). Also called: Long QT syndrome 2/3. Identifiers: MedGen C3276240.
Short QT syndrome type 1. Identifiers: Orphanet 51083, MedGen C1865020, MONDO:0012312, OMIM 609620.

Submissions (5):

Mendelics
Classification: Pathogenic for Short QT syndrome type 1. Last evaluated: 2022-05-04. Review status: criteria provided, single submitter. Criteria: Mendelics Assertion Criteria 2019. Collection method: clinical testing. Allele origin: germline.

Ambry Genetics
Classification: Uncertain significance for Cardiovascular phenotype. Last evaluated: 2017-11-28. Review status: criteria provided, single submitter. Criteria: Ambry Variant Classification Scheme 2023. Collection method: clinical testing. Allele origin: germline.

GeneDx
Classification: Pathogenic. Last evaluated: 2012-04-25. Review status: criteria provided, single submitter. Criteria: GeneDx Variant Classification (06012015). Collection method: clinical testing. Allele origin: germline. Affected: yes.
Comment: p.Arg100Gly (CGG>GGG): c.298 C>G in exon 2 of the KCNH2 gene (NM_000238.2). The Arg100Gly mutation in the KCNH2 gene has been reported in association with LQTS. The authors reported both mutations were absent from 200 control chromosomes. Additionally, other mutations at the same codon (Arg100Gln, Arg100Trp) and nearby codons (Tyr99Ser, Lys101Glu, Asp102Ala, Asp102Val) have been reported in association with LQTS, supporting the functional importance of this region of the protein. Furthermore, the NHLBI ESP Exome Variant Server reports Arg100Gly was not observed in approximately 5,000 samples from individuals of European and African American backgrounds, indicating is not a common variant in these populations.Therefore, Arg100Gly in the KCNH2 gene is interpreted as a disease-causing mutation. The variant is found in LQT panel(s).

OMIM
Classification: Pathogenic for LONG QT SYNDROME 2/3, DIGENIC. Last evaluated: 2006-09-01. Review status: no assertion criteria provided. Collection method: literature only. Allele origin: germline. Not counted in ClinVar's aggregate classification.

Cardiovascular Biomedical Research Unit, Royal Brompton & Harefield NHS Foundation Trust
No classification provided. Condition: Familial long QT syndrome. Review status: no classification provided. Collection method: literature only. Allele origin: germline. Not counted in ClinVar's aggregate classification.
Comment: This variant has been reported as associated with Long QT syndrome in the following publications (PMID:16922724). This is a literature report, and does not necessarily reflect the clinical interpretation of the Imperial College / Royal Brompton Cardiovascular Genetics laboratory.

Literature cited by the submitters: PubMed 16922724 (cited by OMIM and Cardiovascular Biomedical Research Unit, Royal Brompton & Harefield NHS Foundation Trust); PubMed 22581653 (cited by Cardiovascular Biomedical Research Unit, Royal Brompton & Harefield NHS Foundation Trust).